The following is an entry in ClinVar:

ClinVar aggregate classification (germline): Conflicting classifications of pathogenicity. Review status: criteria provided, conflicting classifications (1 of 4 stars). 5 submissions from 5 submitters: Uncertain significance (4); Likely benign (1). Last evaluated 2023-08-13.

Conditions:
Hereditary cancer-predisposing syndrome. Also called: Neoplastic Syndromes, Hereditary; Tumor predisposition; Hereditary neoplastic syndrome; Hereditary Cancer Syndrome. Identifiers: Orphanet 140162, MedGen C0027672, MeSH D009386, MONDO:0015356.
Hereditary breast ovarian cancer syndrome. Also called: Hereditary breast and ovarian cancer syndrome; Hereditary breast and ovarian cancer; Hereditary breast and ovarian cancer syndrome (HBOC); Breast and ovarian cancer; Hereditary breast and/or ovarian cancer syndrome; BRCA1- and BRCA2-Associated Hereditary Breast and Ovarian Cancer. Identifiers: Orphanet 145, MedGen C0677776, MeSH D061325, MONDO:0003582. Disease mechanism: loss of function.

gnomAD v4.1: 1 of 1,598,838 alleles (0.000063%); highest among the groups gnomAD compares: Non-Finnish European, 0.000085%; no homozygotes.

Submissions (5):

Ambry Genetics
Classification: Uncertain significance for Hereditary cancer-predisposing syndrome. Last evaluated: 2023-08-13. Review status: criteria provided, single submitter. Criteria: Ambry Variant Classification Scheme 2023. Collection method: clinical testing. Allele origin: germline.
Comment: The p.A1109T variant (also known as c.3325G>A), located in coding exon 10 of the BRCA2 gene, results from a G to A substitution at nucleotide position 3325. The alanine at codon 1109 is replaced by threonine, an amino acid with similar properties. This amino acid position is highly conserved in available vertebrate species. In addition, the in silico prediction for this alteration is inconclusive. Since supporting evidence is limited at this time, the clinical significance of this alteration remains unclear.

University of Washington Department of Laboratory Medicine, University of Washington
Classification: Likely benign for Hereditary cancer-predisposing syndrome. Last evaluated: 2023-03-23. Review status: criteria provided, single submitter. Criteria: Dines et al. (Genet Med. 2020). Collection method: curation. Allele origin: germline.
Comment: Missense variant in a coldspot region where missense variants are very unlikely to be pathogenic (PMID:31911673).

BRCA2 exon 11 coldspot. Reclassification based on statistical prior probability.

GeneDx
Classification: Uncertain significance. Last evaluated: 2022-12-28. Review status: criteria provided, single submitter. Criteria: GeneDx Variant Classification Process June 2021. Collection method: clinical testing. Allele origin: germline. Affected: yes.
Comment: Not observed at significant frequency in large population cohorts (gnomAD); In silico analysis supports that this missense variant has a deleterious effect on protein structure/function; Has not been previously published as pathogenic or benign to our knowledge; Also known as 3553G>A; This variant is associated with the following publications: (PMID: 29884841, 31911673, 32377563)

Labcorp Genetics (formerly Invitae), Labcorp
Classification: Uncertain significance for Hereditary breast ovarian cancer syndrome. Last evaluated: 2022-08-12. Review status: criteria provided, single submitter. Criteria: Invitae Variant Classification Sherloc (09022015). Collection method: clinical testing. Allele origin: germline.
Comment: In summary, the available evidence is currently insufficient to determine the role of this variant in disease. Therefore, it has been classified as a Variant of Uncertain Significance. Advanced modeling of protein sequence and biophysical properties (such as structural, functional, and spatial information, amino acid conservation, physicochemical variation, residue mobility, and thermodynamic stability) performed at Invitae indicates that this missense variant is not expected to disrupt BRCA2 protein function. ClinVar contains an entry for this variant (Variation ID: 629076). This variant has not been reported in the literature in individuals affected with BRCA2-related conditions. This variant is not present in population databases (gnomAD no frequency). This sequence change replaces alanine, which is neutral and non-polar, with threonine, which is neutral and polar, at codon 1109 of the BRCA2 protein (p.Ala1109Thr).

Color Diagnostics, LLC DBA Color Health
Classification: Uncertain significance for Hereditary cancer-predisposing syndrome. Last evaluated: 2019-04-20. Review status: criteria provided, single submitter. Criteria: ACMG Guidelines, 2015. Collection method: clinical testing. Allele origin: germline.

NM_000059.4(BRCA2):c.3325G>A (p.Ala1109Thr)

Gene: BRCA2 (BRCA2 DNA repair associated; plus strand). Cytogenetic location: 13q13.1.
Variant type: single nucleotide variant.
Coding change: c.3325G>A on transcript NM_000059.4 (MANE Select); coding-DNA position 3325, G replaced by A.
Protein change: p.Ala1109Thr; replaces alanine 1109 with threonine.
Molecular consequence: missense variant.
Genome position (GRCh38, 1-based): chr13:32,337,680, G>A. VCF-style: chr13-32337680-G-A. GRCh37 (hg19) VCF-style: chr13-32911817-G-A.
Other names: short protein forms A1109T.
Identifiers: ClinVar variation 629076 (VCV000629076.15), dbSNP rs752886421, ClinGen allele CA387776251.